The following is an entry in ClinVar:

NM_022111.4(CLSPN):c.2674C>A (p.Pro892Thr)

Gene: CLSPN (claspin; minus strand). Cytogenetic location: 1p34.3.
Variant type: single nucleotide variant.
Coding change: c.2674C>A on transcript NM_022111.4 (MANE Select); coding-DNA position 2674, C replaced by A.
Protein change: p.Pro892Thr; replaces proline 892 with threonine.
Molecular consequence: missense variant.
Genome position (GRCh38, 1-based): chr1:35,746,946, G>T on the plus strand (C>A on the coding strand, the complement: CLSPN is on the minus strand). VCF-style: chr1-35746946-G-T. GRCh37 (hg19) VCF-style: chr1-36212547-G-T.
Other names: c.2482C>A, p.Pro828Thr (NM_001190481.2); c.2674C>A, p.Pro892Thr (NM_001330490.2); short protein forms P828T, P892T.
Identifiers: ClinVar variation 2638656 (VCV002638656.24), dbSNP rs34390044, ClinGen allele CA761614.
Genomic context (GRCh38, chr1:35,746,946, plus strand): 5'-ACAGCTCATCCATGTTGGCATCCATGGCATTCTCATCCATACTGGCCAATGGCAATCGAG[G>T]CTTCAAAGCTTGGTACTGATTCCTGTGGTTTCTAACATTTAAGAACCTAAGAACCAATGA-3'
Protein context (NP_071394.2, residues 882-902): NHRNQYQALK[Pro892Thr]RLPLASMDEN

ClinVar aggregate classification (germline): Likely benign (1 of 4 stars; one submission).

Allele frequency attached by ClinVar (database versions not stated): 1000 Genomes Project 30x 0.00312; 1000 Genomes Project 0.00319; TOPMed 0.00434; ESP Exome Variant Server 0.00500; gnomAD 0.00618; ExAC 0.00696.

Submission:

CeGaT Center for Human Genetics Tuebingen
Classification: Likely benign. Last evaluated: 2023-04-01. Review status: criteria provided, single submitter. Criteria: CeGaT Center For Human Genetics Tuebingen Variant Classification Criteria Version 2. Collection method: clinical testing. Allele origin: germline. Affected: yes. Observed: 1 variant allele.
Comment: CLSPN: BP4, BS2